The following is an entry in ClinVar:

ClinVar aggregate classification (germline): Likely benign. Review status: criteria provided, multiple submitters, no conflicts (2 of 4 stars). 2 submissions from 2 submitters: Likely benign (2). Last evaluated 2025-10-01.

Conditions:
Early-infantile DEE. Also called: Early infantile epileptic encephalopathy; Ohtahara syndrome; Early infantile epileptic encephalopathy with suppression bursts. Identifiers: Orphanet 1934, MedGen C0393706, MONDO:0800491.

Allele frequency attached by ClinVar (database versions not stated): gnomAD exomes below 0.00001 and 0.00001; ExAC 0.00003; gnomAD 0.00008 and 0.00010; TOPMed 0.00008.

Submissions (2):

Labcorp Genetics (formerly Invitae), Labcorp
Classification: Likely benign for Early-infantile DEE. Last evaluated: 2025-10-01. Review status: criteria provided, single submitter. Criteria: Invitae Variant Classification Sherloc (09022015). Collection method: clinical testing. Allele origin: germline.

GeneDx
Classification: Likely benign. Last evaluated: 2018-01-11. Review status: criteria provided, single submitter. Criteria: GeneDx Variant Classification (06012015). Collection method: clinical testing. Allele origin: germline. Affected: yes.
Comment: This variant is considered likely benign or benign based on one or more of the following criteria: it is a conservative change, it occurs at a poorly conserved position in the protein, it is predicted to be benign by multiple in silico algorithms, and/or has population frequency not consistent with disease.

NM_001130438.3(SPTAN1):c.3441G>A (p.Leu1147=)

Gene: SPTAN1 (spectrin alpha, non-erythrocytic 1; plus strand). Cytogenetic location: 9q34.11.
Variant type: single nucleotide variant.
Coding change: c.3441G>A on transcript NM_001130438.3 (MANE Select); coding-DNA position 3441, G replaced by A.
Protein change: p.Leu1147=; no amino-acid change (leucine 1147 retained).
Molecular consequence: synonymous variant.
Genome position (GRCh38, 1-based): chr9:128,598,426, G>A. VCF-style: chr9-128598426-G-A. GRCh37 (hg19) VCF-style: chr9-131360705-G-A.
Other names: c.3381G>A, p.Leu1127= (NM_001195532.2, NM_001363765.2); c.3441G>A, p.Leu1147= (NM_001363759.2, NM_003127.4).
Identifiers: ClinVar variation 516696 (VCV000516696.10), dbSNP rs113157213, ClinGen allele CA5264921.